The following is an entry in ClinVar:

ClinVar aggregate classification (germline): Uncertain significance (1 of 4 stars; one submission).

Conditions:
Cardiovascular phenotype. Identifiers: MedGen CN230736.

gnomAD v4.1: 5 of 1,604,590 alleles (0.00031%); highest among the groups gnomAD compares: Non-Finnish European, 0.00043%; no homozygotes.

Submission:

Ambry Genetics
Classification: Uncertain significance for Cardiovascular phenotype. Last evaluated: 2026-09-11. Review status: criteria provided, single submitter. Criteria: Ambry Variant Classification Scheme 2023. Collection method: clinical testing. Allele origin: germline.
Comment: The p.M31I variant (also known as c.93G>A), located in coding exon 2 of the APOB gene, results from a G to A substitution at nucleotide position 93. The methionine at codon 31 is replaced by isoleucine, an amino acid with highly similar properties. This amino acid position is conserved. In addition, this alteration is predicted to be tolerated by in silico analysis. Based on the available evidence, the clinical significance of this variant remains unclear.

NM_000384.3(APOB):c.93G>A (p.Met31Ile)

Genes: APOB (apolipoprotein B; minus strand), LOC106560211 (APOB 5' regulatory region; plus strand). Cytogenetic location: 2p24.1.
Variant type: single nucleotide variant.
Coding change: c.93G>A on transcript NM_000384.3 (MANE Select); coding-DNA position 93, G replaced by A.
Protein change: p.Met31Ile; replaces methionine 31 with isoleucine.
Molecular consequence: missense variant.
Genome position (GRCh38, 1-based): chr2:21,043,541, C>T on the plus strand (G>A on the coding strand, the complement: APOB is on the minus strand). VCF-style: chr2-21043541-C-T. GRCh37 (hg19) VCF-style: chr2-21266413-C-T.
Other names: short protein forms M31I.
Identifiers: ClinVar variation 3417005 (VCV003417005.2).